The following is an entry in ClinVar:

NM_001004334.4(GPR179):c.3865A>C (p.Lys1289Gln)

Gene: GPR179 (G protein-coupled receptor 179; minus strand). Cytogenetic location: 17q12.
Variant type: single nucleotide variant.
Coding change: c.3865A>C on transcript NM_001004334.4 (MANE Select); coding-DNA position 3865, A replaced by C.
Protein change: p.Lys1289Gln; replaces lysine 1289 with glutamine.
Molecular consequence: missense variant.
Genome position (GRCh38, 1-based): chr17:38,329,704, T>G on the plus strand (A>C on the coding strand, the complement: GPR179 is on the minus strand). VCF-style: chr17-38329704-T-G. GRCh37 (hg19) VCF-style: chr17-36485587-T-G.
Other names: c.3865A>C (NM_001004334.2); short protein forms K1289Q.
Identifiers: ClinVar variation 1405420 (VCV001405420.9), dbSNP rs778087674, ClinGen allele CA290104696.

ClinVar aggregate classification (germline): Uncertain significance. Review status: criteria provided, multiple submitters, no conflicts (2 of 4 stars). 2 submissions from 2 submitters: Uncertain significance (2). Last evaluated 2024-01-31.

Conditions:
Inborn genetic diseases. Identifiers: MedGen C0950123, MeSH D030342.

Allele frequency attached by ClinVar (database versions not stated): TOPMed 0.00003; gnomAD 0.00005 and 0.00006.

Submissions (2):

Ambry Genetics
Classification: Uncertain significance for Inborn genetic diseases. Last evaluated: 2024-01-31. Review status: criteria provided, single submitter. Criteria: Ambry Variant Classification Scheme 2023. Collection method: clinical testing. Allele origin: germline.

Labcorp Genetics (formerly Invitae), Labcorp
Classification: Uncertain significance. Last evaluated: 2024-01-19. Review status: criteria provided, single submitter. Criteria: Invitae Variant Classification Sherloc (09022015). Collection method: clinical testing. Allele origin: germline.
Comment: This sequence change replaces lysine, which is basic and polar, with glutamine, which is neutral and polar, at codon 1289 of the GPR179 protein (p.Lys1289Gln). This variant is present in population databases (rs778087674, gnomAD 0.02%). This variant has not been reported in the literature in individuals affected with GPR179-related conditions. ClinVar contains an entry for this variant (Variation ID: 1405420). An algorithm developed to predict the effect of missense changes on protein structure and function (PolyPhen-2) suggests that this variant is likely to be tolerated. In summary, the available evidence is currently insufficient to determine the role of this variant in disease. Therefore, it has been classified as a Variant of Uncertain Significance.